The following is an entry in ClinVar:

ClinVar aggregate classification (germline): Uncertain significance (1 of 4 stars; one submission).

Conditions:
Hereditary cancer-predisposing syndrome. Also called: Tumor predisposition; Neoplastic Syndromes, Hereditary; Hereditary Cancer Syndrome; Hereditary neoplastic syndrome. Identifiers: Orphanet 140162, MedGen C0027672, MeSH D009386, MONDO:0015356.

Submission:

Ambry Genetics
Classification: Uncertain significance for Hereditary cancer-predisposing syndrome. Last evaluated: 2025-01-25. Review status: criteria provided, single submitter. Criteria: Ambry Variant Classification Scheme 2023. Collection method: clinical testing. Allele origin: germline.
Comment: The p.H2232N variant (also known as c.6694C>A), located in coding exon 15 of the APC gene, results from a C to A substitution at nucleotide position 6694. The histidine at codon 2232 is replaced by asparagine, an amino acid with similar properties. This amino acid position is conserved. In addition, in silico predictors for this gene do not accurately predict pathogenicity. Based on the available evidence, the clinical significance of this variant remains unclear.

NM_000038.6(APC):c.6694C>A (p.His2232Asn)

Gene: APC (APC regulator of Wnt signaling pathway; plus strand). Cytogenetic location: 5q22.2.
Variant type: single nucleotide variant.
Coding change: c.6694C>A on transcript NM_000038.6 (MANE Select); coding-DNA position 6694, C replaced by A.
Protein change: p.His2232Asn; replaces histidine 2232 with asparagine.
Molecular consequence: missense variant. On other transcripts: non-coding transcript variant (2).
Genome position (GRCh38, 1-based): chr5:112,842,288, C>A. VCF-style: chr5-112842288-C-A. GRCh37 (hg19) VCF-style: chr5-112177985-C-A.
Other names: c.6694C>A, p.His2232Asn (NM_001127510.3, NM_001354895.2, NM_001407450.1); c.6640C>A, p.His2214Asn (NM_001127511.3); c.6748C>A, p.His2250Asn (NM_001354896.2, NM_001407447.1, NM_001407448.1 and 1 more transcripts); c.6724C>A, p.His2242Asn (NM_001354897.2); c.6619C>A, p.His2207Asn (NM_001354898.2); c.6610C>A, p.His2204Asn (NM_001354899.2); c.6571C>A, p.His2191Asn (NM_001354900.2); c.6517C>A, p.His2173Asn (NM_001354901.2, NM_001407453.1); and 11 more; short protein forms H2106N, H2173N, H2191N, H2204N, H2207N, H2072N, H2103N, H2141N.
Identifiers: ClinVar variation 3880205 (VCV003880205.1).
Genomic context (GRCh38, chr5:112,842,288, plus strand): 5'-CAAATGAAACAGCCCCTTCAAGCAAACATGCCTTCAATCTCTCGAGGCAGGACAATGATT[C>A]ATATTCCAGGAGTTCGAAATAGCTCCTCAAGTACAAGTCCTGTTTCTAAAAAAGGCCCAC-3'
Protein context (NP_000029.2, residues 2222-2242): PSISRGRTMI[His2232Asn]IPGVRNSSSS